The following is an entry in ClinVar:

ClinVar aggregate classification (germline): Uncertain significance (1 of 4 stars; one submission).

Conditions:
Singleton-Merten syndrome 1 (SGMRT1). Also called: Widened medullary cavities of bone, aortic calcification, abnormal dentition, and muscular weakness; Syndrome of widened medullary cavities of the metacarpals and phalanges, aortic calcification and abnormal dentition. Identifiers: Orphanet 85191, MedGen C4225427, MONDO:0024535, OMIM 182250.
Aicardi-Goutieres syndrome 7 (AGS7). Identifiers: Orphanet 51, MedGen C3888244, MONDO:0014367, OMIM 615846.

Allele frequency attached by ClinVar (database versions not stated): gnomAD 0.00001; gnomAD exomes 0.00001.
gnomAD v4.1: 4 of 1,613,776 alleles (0.00025%); highest among the groups gnomAD compares: Admixed American, 0.0033%; no homozygotes.

Submission:

Labcorp Genetics (formerly Invitae), Labcorp
Classification: Uncertain significance for Aicardi-Goutieres syndrome 7; Singleton-Merten syndrome 1. Last evaluated: 2025-09-15. Review status: criteria provided, single submitter. Criteria: Invitae Variant Classification Sherloc (09022015). Collection method: clinical testing. Allele origin: germline.
Comment: This sequence change replaces asparagine, which is neutral and polar, with serine, which is neutral and polar, at codon 191 of the IFIH1 protein (p.Asn191Ser). This variant is present in population databases (no rsID available, gnomAD 0.006%). This variant has not been reported in the literature in individuals affected with IFIH1-related conditions. ClinVar contains an entry for this variant (Variation ID: 1408854). An algorithm developed to predict the effect of missense changes on protein structure and function outputs the following: PolyPhen-2: "Benign". The serine amino acid residue is found in multiple mammalian species, which suggests that this missense change does not adversely affect protein function. In summary, the available evidence is currently insufficient to determine the role of this variant in disease. Therefore, it has been classified as a Variant of Uncertain Significance.

NM_022168.4(IFIH1):c.572A>G (p.Asn191Ser)

Gene: IFIH1 (interferon induced with helicase C domain 1; minus strand). Cytogenetic location: 2q24.2.
Variant type: single nucleotide variant.
Coding change: c.572A>G on transcript NM_022168.4 (MANE Select); coding-DNA position 572, A replaced by G.
Protein change: p.Asn191Ser; replaces asparagine 191 with serine.
Molecular consequence: missense variant.
Genome position (GRCh38, 1-based): chr2:162,310,815, T>C on the plus strand (A>G on the coding strand, the complement: IFIH1 is on the minus strand). VCF-style: chr2-162310815-T-C. GRCh37 (hg19) VCF-style: chr2-163167325-T-C.
Other names: short protein forms N191S.
Identifiers: ClinVar variation 1408854 (VCV001408854.6), dbSNP rs1255420302, ClinGen allele CA349010927.